The following is an entry in ClinVar:

ClinVar aggregate classification (germline): Uncertain significance (1 of 4 stars; one submission).

Conditions:
Hereditary cancer-predisposing syndrome. Also called: Neoplastic Syndromes, Hereditary; Tumor predisposition; Hereditary Cancer Syndrome; Hereditary neoplastic syndrome. Identifiers: Orphanet 140162, MedGen C0027672, MeSH D009386, MONDO:0015356.

Submission:

Ambry Genetics
Classification: Uncertain significance for Hereditary cancer-predisposing syndrome. Last evaluated: 2025-03-28. Review status: criteria provided, single submitter. Criteria: Ambry Variant Classification Scheme 2023. Collection method: clinical testing. Allele origin: germline.
Comment: The p.N1183K variant (also known as c.3549T>A), located in coding exon 23 of the ATM gene, results from a T to A substitution at nucleotide position 3549. The asparagine at codon 1183 is replaced by lysine, an amino acid with similar properties. This amino acid position is well conserved in available vertebrate species. In addition, this alteration is predicted to be tolerated by in silico analysis. Based on the available evidence, the clinical significance of this variant remains unclear.

NM_000051.4(ATM):c.3549T>A (p.Asn1183Lys)

Gene: ATM (ATM serine/threonine kinase; plus strand). Cytogenetic location: 11q22.3.
Variant type: single nucleotide variant.
Coding change: c.3549T>A on transcript NM_000051.4 (MANE Select); coding-DNA position 3549, T replaced by A.
Protein change: p.Asn1183Lys; replaces asparagine 1183 with lysine.
Molecular consequence: missense variant.
Genome position (GRCh38, 1-based): chr11:108,281,141, T>A. VCF-style: chr11-108281141-T-A. GRCh37 (hg19) VCF-style: chr11-108151868-T-A.
Other names: c.3549T>A, p.Asn1183Lys (NM_001351834.2); short protein forms N1183K.
Identifiers: ClinVar variation 1732546 (VCV001732546.3), dbSNP rs767377764, ClinGen allele CA382520419.